The following is an entry in ClinVar:

NM_001079.4(ZAP70):c.406G>A (p.Glu136Lys)

Gene: ZAP70 (zeta chain of T cell receptor associated protein kinase 70; plus strand). Cytogenetic location: 2q11.2.
Variant type: single nucleotide variant.
Coding change: c.406G>A on transcript NM_001079.4 (MANE Select); coding-DNA position 406, G replaced by A.
Protein change: p.Glu136Lys; replaces glutamic acid 136 with lysine.
Molecular consequence: missense variant.
Genome position (GRCh38, 1-based): chr2:97,725,095, G>A. VCF-style: chr2-97725095-G-A. GRCh37 (hg19) VCF-style: chr2-98341558-G-A.
Other names: c.406G>A, p.Glu136Lys (NM_001378594.1); short protein forms E136K.
Identifiers: ClinVar variation 2060836 (VCV002060836.4), dbSNP rs2482689408, ClinGen allele CA347791898.
Genomic context (GRCh38, chr2:97,725,095, plus strand): 5'-GTTCCTGTGGCGAGCACTTGGCCACACCTACAGACCTCCTCGCCTCTCCTTTTCTAGGGC[G>A]AGGCCCTGGAGCAGGCCATCATCAGCCAGGCCCCGCAGGTGGAGAAGCTCATTGCTACGA-3'
Protein context (NP_001070.2, residues 126-146): YVRQTWKLEG[Glu136Lys]ALEQAIISQA

ClinVar aggregate classification (germline): Uncertain significance (1 of 4 stars; one submission).

Conditions:
Combined immunodeficiency due to ZAP70 deficiency (IMD48). Also called: Immunodeficiency 48; ZAP70 Deficiency. Identifiers: Orphanet 911, MedGen C2931299, MONDO:0010023, OMIM 269840.

Allele frequency attached by ClinVar (database versions not stated): gnomAD exomes below 0.00001.
gnomAD v4.1: 1 of 1,614,004 alleles (0.000062%); highest among the groups gnomAD compares: Non-Finnish European, 0.000085%; no homozygotes.

Submission:

Labcorp Genetics (formerly Invitae), Labcorp
Classification: Uncertain significance for Combined immunodeficiency due to ZAP70 deficiency. Last evaluated: 2022-07-11. Review status: criteria provided, single submitter. Criteria: Invitae Variant Classification Sherloc (09022015). Collection method: clinical testing. Allele origin: germline.
Comment: This variant is not present in population databases (gnomAD no frequency). In summary, the available evidence is currently insufficient to determine the role of this variant in disease. Therefore, it has been classified as a Variant of Uncertain Significance. Algorithms developed to predict the effect of missense changes on protein structure and function are either unavailable or do not agree on the potential impact of this missense change (SIFT: "Not Available"; PolyPhen-2: "Benign"; Align-GVGD: "Not Available"). This variant has not been reported in the literature in individuals affected with ZAP70-related conditions. This sequence change replaces glutamic acid, which is acidic and polar, with lysine, which is basic and polar, at codon 136 of the ZAP70 protein (p.Glu136Lys).